The following is an entry in ClinVar:

ClinVar aggregate classification (germline): Uncertain significance (1 of 4 stars; one submission).

Conditions:
Lethal congenital glycogen storage disease of heart. Also called: PHOSPHORYLASE KINASE DEFICIENCY OF HEART; GLYCOGEN STORAGE DISEASE OF HEART. Identifiers: Orphanet 439854, MedGen C1849813, MONDO:0009867, OMIM 261740.

Allele frequency attached by ClinVar (database versions not stated): gnomAD exomes below 0.00001.

Submission:

Labcorp Genetics (formerly Invitae), Labcorp
Classification: Uncertain significance for Lethal congenital glycogen storage disease of heart. Last evaluated: 2025-07-29. Review status: criteria provided, single submitter. Criteria: Invitae Variant Classification Sherloc (09022015). Collection method: clinical testing. Allele origin: germline.
Comment: This sequence change falls in intron 7 of the PRKAG2 gene. It does not directly change the encoded amino acid sequence of the PRKAG2 protein. This variant is present in population databases (no rsID available, gnomAD 0.006%). This variant has not been reported in the literature in individuals affected with PRKAG2-related conditions. ClinVar contains an entry for this variant (Variation ID: 2186706). Algorithms developed to predict the effect of sequence changes on RNA splicing suggest that this variant may disrupt the consensus splice site. In summary, the available evidence is currently insufficient to determine the role of this variant in disease. Therefore, it has been classified as a Variant of Uncertain Significance.

NM_016203.4(PRKAG2):c.947-19_947-18del

Gene: PRKAG2 (protein kinase AMP-activated non-catalytic subunit gamma 2; minus strand). Cytogenetic location: 7q36.1.
Variant type: Deletion.
Coding change: c.947-19_947-18del on transcript NM_016203.4 (MANE Select); 19 bases into the intron before coding-DNA position 947 through 18 bases into the intron before coding-DNA position 947, 2 bases deleted (AT; older notation c.947-19_947-18delAT).
Molecular consequence: intron variant.
Genome position (GRCh38, 1-based): chr7:151,574,967-151,574,968, AT deleted on the plus strand (AT on the coding strand, the reverse complement: PRKAG2 is on the minus strand). VCF-style (leftmost placement, unchanged base first): chr7-151574966-CAT-C. GRCh37 (hg19) VCF-style: chr7-151272052-CAT-C.
Other names: c.815-19_815-18del (NM_001040633.2); c.572-19_572-18del (NM_001304527.2); c.575-19_575-18del (NM_001363698.2); c.224-19_224-18del (NM_001304531.2, NM_024429.2).
Identifiers: ClinVar variation 2186706 (VCV002186706.3), dbSNP rs1563166850, ClinGen allele CA578733086.